The following is an entry in ClinVar:

ClinVar aggregate classification (germline): Uncertain significance. Review status: criteria provided, multiple submitters, no conflicts (2 of 4 stars). 2 submissions from 2 submitters: Uncertain significance (2). Last evaluated 2025-08-09.

Conditions:
Inborn genetic diseases. Identifiers: MedGen C0950123, MeSH D030342.

Submissions (2):

Ambry Genetics
Classification: Uncertain significance for Inborn genetic diseases. Last evaluated: 2025-08-09. Review status: criteria provided, single submitter. Criteria: Ambry Variant Classification Scheme 2023. Collection method: clinical testing. Allele origin: germline.

Labcorp Genetics (formerly Invitae), Labcorp
Classification: Uncertain significance. Last evaluated: 2022-05-30. Review status: criteria provided, single submitter. Criteria: Invitae Variant Classification Sherloc (09022015). Collection method: clinical testing. Allele origin: germline.
Comment: Algorithms developed to predict the effect of missense changes on protein structure and function (SIFT, PolyPhen-2, Align-GVGD) all suggest that this variant is likely to be tolerated. In summary, the available evidence is currently insufficient to determine the role of this variant in disease. Therefore, it has been classified as a Variant of Uncertain Significance. This variant has not been reported in the literature in individuals affected with GRM6-related conditions. This sequence change replaces valine, which is neutral and non-polar, with isoleucine, which is neutral and non-polar, at codon 230 of the GRM6 protein (p.Val230Ile). This variant is not present in population databases (gnomAD no frequency).

NM_000843.4(GRM6):c.688G>A (p.Val230Ile)

Gene: GRM6 (glutamate metabotropic receptor 6; minus strand). Cytogenetic location: 5q35.3.
Variant type: single nucleotide variant.
Coding change: c.688G>A on transcript NM_000843.4 (MANE Select); coding-DNA position 688, G replaced by A.
Protein change: p.Val230Ile; replaces valine 230 with isoleucine.
Molecular consequence: missense variant.
Genome position (GRCh38, 1-based): chr5:178,991,900, C>T on the plus strand (G>A on the coding strand, the complement: GRM6 is on the minus strand). VCF-style: chr5-178991900-C-T. GRCh37 (hg19) VCF-style: chr5-178418901-C-T.
Other names: c.688G>A (NM_000843.3); short protein forms V230I.
Identifiers: ClinVar variation 2001119 (VCV002001119.5), dbSNP rs371828482, ClinGen allele CA362433841.